The following is an entry in ClinVar:

ClinVar aggregate classification (germline): Pathogenic (1 of 4 stars; one submission).

Submission:

Labcorp Genetics (formerly Invitae), Labcorp
Classification: Pathogenic. Last evaluated: 2023-02-28. Review status: criteria provided, single submitter. Criteria: Invitae Variant Classification Sherloc (09022015). Collection method: clinical testing. Allele origin: unknown.
Comment: This variant is a gross deletion of the genomic region encompassing exon(s) 14-16 of the USH2A gene. This variant would be expected to be in-frame, preserving the integrity of the reading frame. This variant has not been reported in the literature in individuals affected with USH2A-related conditions. This variant disrupts a region of the USH2A protein in which other variant(s) (p.Cys985Arg) have been determined to be pathogenic (PMID: 33576794). This suggests that this is a clinically significant region of the protein, and that variants that disrupt it are likely to be disease-causing. For these reasons, this variant has been classified as Pathogenic.

Literature cited by the submitters: PubMed 33576794.

NC_000001.10:g.(?_216380595)_(216405498_?)del

Gene: USH2A (usherin; minus strand). Cytogenetic location: 1q41.
Variant type: Deletion.
Identifiers: ClinVar variation 3248050 (VCV003248050.1).